The following is an entry in ClinVar:

NM_001035.3(RYR2):c.13782+27TG[12]

Gene: RYR2 (ryanodine receptor 2; plus strand). Cytogenetic location: 1q43.
Variant type: Microsatellite.
Coding change: c.13782+27TG[12] on transcript NM_001035.3 (MANE Select); 12 copies in a row of the 2-base unit TG starting at c.13782+27; the reference has 16 copies in a row; four copies, 8 bases deleted.
Molecular consequence: intron variant.
Genome position (GRCh38, 1-based): chr1:237,792,374-237,792,381, TGTGTGTG deleted; deleting any 8 consecutive bases within chr1:237,792,350-237,792,381 gives the same sequence; the position shown is the placement nearest the transcript's 3' end. VCF-style (leftmost placement, unchanged base first): chr1-237792349-CTGTGTGTG-C. GRCh37 (hg19) VCF-style: chr1-237955649-CTGTGTGTG-C.
Other names: c.13782+27TG[12] (NM_001035.2).
Identifiers: ClinVar variation 1290403 (VCV001290403.3), dbSNP rs34337859, ClinGen allele CA1474974.
Genomic context (GRCh38, chr1:237,792,349, plus strand): 5'-CTTTCTTCTGCATCATTGGATACTACTGCTTGAAAGTAAGATAGTAAGGCACCAAGGTAC[CTGTGTGTG>C]TGTGTGTGTGTGTGTGTGTGTGTGCGTGTGTGTGTGTGTGCGTGTGTGTGTGTGTGTGTG-3'

ClinVar aggregate classification (germline): Benign. Review status: criteria provided, multiple submitters, no conflicts (2 of 4 stars). 2 submissions from 2 submitters: Benign (2). Last evaluated 2026-09-21.

Submissions (2):

Molecular Diagnostic Laboratory for Inherited Cardiovascular Disease, Montreal Heart Institute
Classification: Benign. Last evaluated: 2026-09-21. Review status: criteria provided, single submitter. Criteria: ACMG Guidelines, 2015. Collection method: clinical testing. Allele origin: germline. Affected: no.
Comment: BA1

GeneDx
Classification: Benign. Last evaluated: 2019-08-19. Review status: criteria provided, single submitter. Criteria: GeneDx Variant Classification Process June 2021. Collection method: clinical testing. Allele origin: germline. Affected: yes.